The following is an entry in ClinVar:

NM_001845.6(COL4A1):c.2810C>G (p.Ser937Cys)

Gene: COL4A1 (collagen type IV alpha 1 chain; minus strand). Cytogenetic location: 13q34.
Variant type: single nucleotide variant.
Coding change: c.2810C>G on transcript NM_001845.6 (MANE Select); coding-DNA position 2810, C replaced by G.
Protein change: p.Ser937Cys; replaces serine 937 with cysteine.
Molecular consequence: missense variant.
Genome position (GRCh38, 1-based): chr13:110,176,944, G>C on the plus strand (C>G on the coding strand, the complement: COL4A1 is on the minus strand). VCF-style: chr13-110176944-G-C. GRCh37 (hg19) VCF-style: chr13-110829291-G-C.
Other names: c.2810C>G (NM_001845.4); short protein forms S937C.
Identifiers: ClinVar variation 3606287 (VCV003606287.4).

ClinVar aggregate classification (germline): Uncertain significance. Review status: criteria provided, multiple submitters, no conflicts (2 of 4 stars). 3 submissions from 3 submitters: Uncertain significance (3). Last evaluated 2025-08-13.

Conditions:
Inborn genetic diseases. Identifiers: MedGen C0950123, MeSH D030342.

gnomAD v4.1: 16 of 1,613,990 alleles (0.00099%); highest among the groups gnomAD compares: Non-Finnish European, 0.0013%; no homozygotes.

Submissions (3):

Ambry Genetics
Classification: Uncertain significance for Inborn genetic diseases. Last evaluated: 2025-08-13. Review status: criteria provided, single submitter. Criteria: Ambry Variant Classification Scheme 2023. Collection method: clinical testing. Allele origin: germline.

Labcorp Genetics (formerly Invitae), Labcorp
Classification: Uncertain significance. Last evaluated: 2025-07-15. Review status: criteria provided, single submitter. Criteria: Invitae Variant Classification Sherloc (09022015). Collection method: clinical testing. Allele origin: germline.
Comment: This sequence change replaces serine, which is neutral and polar, with cysteine, which is neutral and slightly polar, at codon 937 of the COL4A1 protein (p.Ser937Cys). This variant is present in population databases (rs773320165, gnomAD 0.007%). This variant has not been reported in the literature in individuals affected with COL4A1-related conditions. ClinVar contains an entry for this variant (Variation ID: 3606287). Invitae Evidence Modeling of protein sequence and biophysical properties (such as structural, functional, and spatial information, amino acid conservation, physicochemical variation, residue mobility, and thermodynamic stability) indicates that this missense variant is not expected to disrupt COL4A1 protein function with a negative predictive value of 95%. In summary, the available evidence is currently insufficient to determine the role of this variant in disease. Therefore, it has been classified as a Variant of Uncertain Significance.

Revvity Omics, Revvity
Classification: Uncertain significance. Last evaluated: 2024-05-02. Review status: criteria provided, single submitter. Criteria: ACMG Guidelines, 2015. Collection method: clinical testing. Allele origin: germline.